The following is an entry in ClinVar:

ClinVar aggregate classification (germline): Uncertain significance (1 of 4 stars; one submission).

gnomAD v4.1: 6 of 1,580,400 alleles (0.00038%); highest among the groups gnomAD compares: Non-Finnish European, 0.00051%; no homozygotes.

Submission:

GeneDx
Classification: Uncertain significance. Last evaluated: 2023-12-18. Review status: criteria provided, single submitter. Criteria: GeneDx Variant Classification Process June 2021. Collection method: clinical testing. Allele origin: germline. Affected: yes.
Comment: Not observed at significant frequency in large population cohorts (gnomAD); In silico analysis supports that this missense variant has a deleterious effect on protein structure/function; Has not been previously published as pathogenic or benign to our knowledge

NM_020070.4(IGLL1):c.169G>A (p.Gly57Arg)

Gene: IGLL1 (immunoglobulin lambda like polypeptide 1; minus strand). Cytogenetic location: 22q11.23.
Variant type: single nucleotide variant.
Coding change: c.169G>A on transcript NM_020070.4 (MANE Select); coding-DNA position 169, G replaced by A.
Protein change: p.Gly57Arg; replaces glycine 57 with arginine.
Molecular consequence: missense variant.
Genome position (GRCh38, 1-based): chr22:23,580,022, C>T on the plus strand (G>A on the coding strand, the complement: IGLL1 is on the minus strand). VCF-style: chr22-23580022-C-T. GRCh37 (hg19) VCF-style: chr22-23922209-C-T.
Other names: c.169G>A, p.Gly57Arg (NM_001369906.1, NM_152855.3); short protein forms G57R.
Identifiers: ClinVar variation 3365689 (VCV003365689.1).
Genomic context (GRCh38, chr22:23,580,022, plus strand): 5'-CCCTGGAATCTCTCACCCCTTACCTGCCCCACCGGCTCCTCAGGCTGGACCGGCTGCTTC[C>T]TCCAGGGGCTCCAGGGCCCAGGGCCCTGCTCTGCGATGCAGCTGTTGGGCGCAGCAGGCC-3'
Protein context (NP_064455.1, residues 47-67): SRALGPGAPG[Gly57Arg]SSRSSLRSRW